The following is an entry in ClinVar:

NM_000256.3:c.3659_3660insAlu

Gene: MYBPC3 (myosin binding protein C3; minus strand). Cytogenetic location: 11p11.2.
Variant type: Insertion.
Identifiers: ClinVar variation 870305 (VCV000870305.2).

ClinVar aggregate classification (germline): Pathogenic/Likely pathogenic. Review status: criteria provided, multiple submitters, no conflicts (2 of 4 stars). 2 submissions from 2 submitters: Pathogenic (1); Likely pathogenic (1). Last evaluated 2025-04-14.

Conditions:
Cardiovascular phenotype. Identifiers: MedGen CN230736.
Hypertrophic cardiomyopathy. Also called: HYPERTROPHIC MYOCARDIOPATHY. Identifiers: Orphanet 217569, MedGen C0007194, MeSH D002312, MONDO:0005045, HP:0001639.

Submissions (2):

Ambry Genetics
Classification: Likely pathogenic for Cardiovascular phenotype. Last evaluated: 2025-04-14. Review status: criteria provided, single submitter. Criteria: Ambry Variant Classification Scheme 2023. Collection method: clinical testing. Allele origin: germline.
Comment: The c.3659_3660insAlu likely pathogenic variant results from the insertion of an Alu element between nucleotides 3659 and 3660 in coding exon 33 of the MYBPC3 gene. Mobile element insertions contribute to pathogenicity by either disrupting the coding sequence or inducing aberrant splicing (Belancio VP et al. Semin. Cancer Biol. 2010 Aug;20:200-10; Deininger P et al. Genome Biol. 2011 Dec;12:236; van der Klift HM Hum Mutat. 2012 Jul;33(7):1051-5). This variant was reported in individual(s) with features consistent with hypertrophic cardiomyopathy (Ambry internal data). Based on the majority of available evidence to date, this variant is likely to be pathogenic.

Labcorp Genetics (formerly Invitae), Labcorp
Classification: Pathogenic for Hypertrophic cardiomyopathy. Last evaluated: 2019-08-09. Review status: criteria provided, single submitter. Criteria: Invitae Variant Classification Sherloc (09022015). Collection method: clinical testing. Allele origin: germline.
Comment: This sequence change is an Alu-mediated insertion in exon 33 of the MYBPC3 mRNA (c.3659_3660insAlu), causing a frameshift at codon 1220 (p.Asp1220fs). The exact size and sequence of the insertion cannot be determined by the current assay. However, the insertion is expected to result in an absent or disrupted protein product. This variant has not been reported in the literature in individuals with MYBPC3-related disease. Retrotransposon insertions including LINE1 (L1), Alu, and SVA (SINE-VNTR-Alu) have been reported to be disease-causing through disruption of either a coding region or splice site (PMID: 19763152, 20307669, 22406018). Loss-of-function variants in MYBPC3 are known to be pathogenic (PMID: 19574547). For these reasons, this variant has been classified as Pathogenic.

Literature cited by the submitters: PubMed 19763152 (cited by Labcorp Genetics (formerly Invitae), Labcorp); PubMed 20307669 (cited by Labcorp Genetics (formerly Invitae), Labcorp); PubMed 22406018 (cited by Labcorp Genetics (formerly Invitae), Labcorp).